The following is an entry in ClinVar:

NM_032043.3(BRIP1):c.1261del (p.Glu421fs)

Gene: BRIP1 (BRCA1 interacting DNA helicase 1; minus strand). Cytogenetic location: 17q23.2.
Variant type: Deletion.
Coding change: c.1261del on transcript NM_032043.3 (MANE Select); coding-DNA position 1261, one base deleted (G; older notation c.1261delG).
Protein change: p.Glu421fs; shifts the reading frame from glutamic acid 421.
Molecular consequence: frameshift variant.
Genome position (GRCh38, 1-based): chr17:61,799,179, C deleted on the plus strand (G on the coding strand, the reverse complement: BRIP1 is on the minus strand). VCF-style (leftmost placement, unchanged base first): chr17-61799178-TC-T. GRCh37 (hg19) VCF-style: chr17-59876539-TC-T.
Other names: short protein forms E421fs.
Identifiers: ClinVar variation 2584260 (VCV002584260.2), dbSNP rs2545136260, ClinGen allele CA2582342228.

ClinVar aggregate classification (germline): Pathogenic (1 of 4 stars; one submission).

Conditions:
Familial cancer of breast. Also called: BREAST CANCER, FAMILIAL; hereditary breast carcinoma; Hereditary breast cancer. Identifiers: Orphanet 227535, MedGen C0346153, MONDO:0016419, OMIM 114480. Disease mechanism: loss of function.

Submission:

Myriad Genetics, Inc.
Classification: Pathogenic for Familial cancer of breast. Last evaluated: 2023-06-01. Review status: criteria provided, single submitter. Criteria: Myriad Autosomal Dominant, Autosomal Recessive and X-Linked Classification Criteria (2023). Collection method: clinical testing. Allele origin: unknown.
Comment: This variant is considered pathogenic. This variant creates a frameshift predicted to result in premature protein truncation.